The following is an entry in ClinVar:

ClinVar aggregate classification (germline): Uncertain significance. Review status: criteria provided, multiple submitters, no conflicts (2 of 4 stars). 2 submissions from 2 submitters: Uncertain significance (2). Last evaluated 2025-07-21.

Conditions:
PALB2-related disorder. Also called: PALB2-related condition; PALB2-related disorders.
Familial cancer of breast. Also called: Hereditary breast cancer; BREAST CANCER, FAMILIAL; hereditary breast carcinoma. Identifiers: Orphanet 227535, MedGen C0346153, MONDO:0016419, OMIM 114480. Disease mechanism: loss of function.

Submissions (2):

Labcorp Genetics (formerly Invitae), Labcorp
Classification: Uncertain significance for Familial cancer of breast. Last evaluated: 2025-07-21. Review status: criteria provided, single submitter. Criteria: Invitae Variant Classification Sherloc (09022015). Collection method: clinical testing. Allele origin: germline.
Comment: This sequence change replaces serine, which is neutral and polar, with arginine, which is basic and polar, at codon 372 of the PALB2 protein (p.Ser372Arg). This variant is not present in population databases (gnomAD no frequency). This variant has not been reported in the literature in individuals affected with PALB2-related conditions. Invitae Evidence Modeling of protein sequence and biophysical properties (such as structural, functional, and spatial information, amino acid conservation, physicochemical variation, residue mobility, and thermodynamic stability) indicates that this missense variant is not expected to disrupt PALB2 protein function with a negative predictive value of 80%. In summary, the available evidence is currently insufficient to determine the role of this variant in disease. Therefore, it has been classified as a Variant of Uncertain Significance.

PreventionGenetics, part of Exact Sciences
Classification: Uncertain significance for PALB2-related condition. Last evaluated: 2025-06-12. Review status: criteria provided, single submitter. Criteria: ACMG Guidelines, 2015. Collection method: clinical testing. Allele origin: germline.
Comment: The PALB2 c.1116T>G variant is predicted to result in the amino acid substitution p.Ser372Arg. To our knowledge, this variant has not been reported in the literature or in a large population database (gnomAD), indicating this variant is rare. At this time, the clinical significance of this variant is uncertain due to the absence of conclusive functional and genetic evidence.

NM_024675.4(PALB2):c.1116T>G (p.Ser372Arg)

Gene: PALB2 (partner and localizer of BRCA2; minus strand). Cytogenetic location: 16p12.2.
Variant type: single nucleotide variant.
Coding change: c.1116T>G on transcript NM_024675.4 (MANE Select); coding-DNA position 1116, T replaced by G.
Protein change: p.Ser372Arg; replaces serine 372 with arginine.
Molecular consequence: missense variant. On other transcripts: intron variant (3).
Genome position (GRCh38, 1-based): chr16:23,635,430, A>C on the plus strand (T>G on the coding strand, the complement: PALB2 is on the minus strand). VCF-style: chr16-23635430-A-C. GRCh37 (hg19) VCF-style: chr16-23646751-A-C.
Other names: c.231T>G, p.Ser77Arg (NM_001407304.1, NM_001407305.1, NM_001407306.1 and 5 more transcripts); c.48+5680T>G (NM_001407314.1); c.1056T>G, p.Ser352Arg (NM_001407296.1); c.1116T>G, p.Ser372Arg (NM_001407297.1, NM_001407298.1, NM_001407299.1 and 3 more transcripts); c.-104-4961T>G (NM_001407313.1, NM_001407312.1); short protein forms S352R, S77R, S372R.
Identifiers: ClinVar variation 4741191 (VCV004741191.2).